The following is an entry in ClinVar:

NM_022132.5(MCCC2):c.709G>C (p.Gly237Arg)

Gene: MCCC2 (methylcrotonyl-CoA carboxylase subunit 2; plus strand). Cytogenetic location: 5q13.2.
Variant type: single nucleotide variant.
Coding change: c.709G>C on transcript NM_022132.5 (MANE Select); coding-DNA position 709, G replaced by C.
Protein change: p.Gly237Arg; replaces glycine 237 with arginine.
Molecular consequence: missense variant. On other transcripts: intron variant (1).
Genome position (GRCh38, 1-based): chr5:71,626,724, G>C. VCF-style: chr5-71626724-G-C. GRCh37 (hg19) VCF-style: chr5-70922551-G-C.
Other names: c.625-5397G>C (NM_001363147.1); short protein forms G237R.
Identifiers: ClinVar variation 467808 (VCV000467808.9), dbSNP rs781559418, ClinGen allele CA359983581.

ClinVar aggregate classification (germline): Likely pathogenic (1 of 4 stars; one submission).

Conditions:
3-methylcrotonyl-CoA carboxylase 2 deficiency. Also called: METHYLCROTONYLGLYCINURIA, TYPE II; 3 alpha methylcrotonyl-CoA carboxylase 2 deficiency; 3 alpha methylcrotonylglycinuria 2; MCC 2 deficiency; Methylcrotonylglycinuria type 2. Identifiers: Orphanet 6, MedGen C1859499, MONDO:0008862, OMIM 210210.

Submission:

Labcorp Genetics (formerly Invitae), Labcorp
Classification: Likely pathogenic for 3-methylcrotonyl-CoA carboxylase 2 deficiency. Last evaluated: 2024-10-07. Review status: criteria provided, single submitter. Criteria: Invitae Variant Classification Sherloc (09022015). Collection method: clinical testing. Allele origin: germline.
Comment: This sequence change replaces glycine, which is neutral and non-polar, with arginine, which is basic and polar, at codon 237 of the MCCC2 protein (p.Gly237Arg). This variant is not present in population databases (gnomAD no frequency). This missense change has been observed in individual(s) with MCCC2-related conditions (internal data). In at least one individual the data is consistent with being in trans (on the opposite chromosome) from a pathogenic variant. ClinVar contains an entry for this variant (Variation ID: 467808). Invitae Evidence Modeling of protein sequence and biophysical properties (such as structural, functional, and spatial information, amino acid conservation, physicochemical variation, residue mobility, and thermodynamic stability) indicates that this missense variant is expected to disrupt MCCC2 protein function with a positive predictive value of 80%. In summary, the currently available evidence indicates that the variant is pathogenic, but additional data are needed to prove that conclusively. Therefore, this variant has been classified as Likely Pathogenic.